The following is an entry in ClinVar:

ClinVar aggregate classification (germline): Likely benign. Review status: criteria provided, single submitter (1 of 4 stars). 2 submissions from 2 submitters: Likely benign (1). 1 of the submissions does not count toward it. Last evaluated 2022-08-01.

Conditions:
TTN-related disorder. Also called: TTN-related condition; TTN-related disease; TTN-related disorders.
Dilated cardiomyopathy 1G (CMD1G). Identifiers: Orphanet 154, MedGen C1858763, MONDO:0011400, OMIM 604145.
Autosomal recessive limb-girdle muscular dystrophy type 2J (LGMDR10). Also called: MUSCULAR DYSTROPHY, LIMB-GIRDLE, AUTOSOMAL RECESSIVE 10; Limb-girdle muscular dystrophy, type 2J. Identifiers: Orphanet 140922, MedGen C1837342, MONDO:0012127, OMIM 608807.

Allele frequency attached by ClinVar (database versions not stated): TOPMed 0.00001.
gnomAD v4.1: 2 of 1,581,428 alleles (0.00013%); highest among the groups gnomAD compares: Admixed American, 0.0036%; no homozygotes.

Submissions (2):

Labcorp Genetics (formerly Invitae), Labcorp
Classification: Likely benign for Dilated cardiomyopathy 1G; Autosomal recessive limb-girdle muscular dystrophy type 2J. Last evaluated: 2022-08-01. Review status: criteria provided, single submitter. Criteria: Invitae Variant Classification Sherloc (09022015). Collection method: clinical testing. Allele origin: germline.

PreventionGenetics, part of Exact Sciences
Classification: Likely benign for TTN-related condition. Last evaluated: 2021-02-08. Review status: no assertion criteria provided. Collection method: clinical testing. Allele origin: germline. Not counted in ClinVar's aggregate classification.
Comment: This variant is classified as likely benign based on ACMG/AMP sequence variant interpretation guidelines (Richards et al. 2015 PMID: 25741868, with internal and published modifications).

NM_001267550.2(TTN):c.91878A>G (p.Pro30626=)

Genes: TTN-AS1 (TTN antisense RNA 1; plus strand), TTN (titin; minus strand). Cytogenetic location: 2q31.2.
Variant type: single nucleotide variant.
Coding change: c.91878A>G on transcript NM_001267550.2 (MANE Select); coding-DNA position 91878, A replaced by G.
Protein change: p.Pro30626=; no amino-acid change (proline 30626 retained).
Molecular consequence: synonymous variant.
Genome position (GRCh38, 1-based): chr2:178,549,844, T>C on the plus strand (A>G on the coding strand, the complement: TTN is on the minus strand). VCF-style: chr2-178549844-T-C. GRCh37 (hg19) VCF-style: chr2-179414571-T-C.
Other names: c.86955A>G, p.Pro28985= (NM_001256850.1); c.64683A>G, p.Pro21561= (NM_003319.4); c.84174A>G, p.Pro28058= (NM_133378.4); c.65058A>G, p.Pro21686= (NM_133432.3); c.65259A>G, p.Pro21753= (NM_133437.4).
Identifiers: ClinVar variation 699258 (VCV000699258.11), dbSNP rs879211202, ClinGen allele CA430244859.